The following is an entry in ClinVar:

NM_006623.4(PHGDH):c.139-3C>T

Gene: PHGDH (phosphoglycerate dehydrogenase; plus strand). Cytogenetic location: 1p12.
Variant type: single nucleotide variant.
Coding change: c.139-3C>T on transcript NM_006623.4 (MANE Select); 3 bases into the intron before coding-DNA position 139, C replaced by T.
Molecular consequence: intron variant.
Genome position (GRCh38, 1-based): chr1:119,721,167, C>T. VCF-style: chr1-119721167-C-T. GRCh37 (hg19) VCF-style: chr1-120263790-C-T.
Identifiers: ClinVar variation 1473605 (VCV001473605.3), dbSNP rs750037132, ClinGen allele CA341416662.

ClinVar aggregate classification (germline): Uncertain significance (1 of 4 stars; one submission).

Conditions:
PHGDH deficiency. Identifiers: Orphanet 79351, MedGen C1866174, MONDO:0011152, OMIM 601815.

Submission:

Labcorp Genetics (formerly Invitae), Labcorp
Classification: Uncertain significance for PHGDH deficiency. Last evaluated: 2022-08-16. Review status: criteria provided, single submitter. Criteria: Invitae Variant Classification Sherloc (09022015). Collection method: clinical testing. Allele origin: germline.
Comment: This sequence change falls in intron 1 of the PHGDH gene. It does not directly change the encoded amino acid sequence of the PHGDH protein. It affects a nucleotide within the consensus splice site. This variant is not present in population databases (gnomAD no frequency). This variant has not been reported in the literature in individuals affected with PHGDH-related conditions. ClinVar contains an entry for this variant (Variation ID: 1473605). Variants that disrupt the consensus splice site are a relatively common cause of aberrant splicing (PMID: 17576681, 9536098). Algorithms developed to predict the effect of sequence changes on RNA splicing suggest that this variant is not likely to affect RNA splicing. In summary, the available evidence is currently insufficient to determine the role of this variant in disease. Therefore, it has been classified as a Variant of Uncertain Significance.

Literature cited by the submitters: PubMed 17576681; PubMed 9536098.